The following is an entry in ClinVar:

ClinVar aggregate classification (germline): Uncertain significance (1 of 4 stars; one submission).

Allele frequency attached by ClinVar (database versions not stated): gnomAD exomes below 0.00001; TOPMed below 0.00001.
gnomAD v4.1: 1 of 1,613,154 alleles (0.000062%); highest among the groups gnomAD compares: Non-Finnish European, 0.000085%; no homozygotes.

Submission:

GeneDx
Classification: Uncertain significance. Last evaluated: 2025-03-18. Review status: criteria provided, single submitter. Criteria: GeneDx Variant Classification Process June 2021. Collection method: clinical testing. Allele origin: germline. Affected: yes.
Comment: Functional studies suggest a damaging effect via loss of function (PMID: 29859117, 21551456); Not observed at significant frequency in large population cohorts (gnomAD); In silico analysis supports that this missense variant has a deleterious effect on protein structure/function; This variant is associated with the following publications: (PMID: 21551456, 29859117)

NM_020795.4(NLGN2):c.644G>A (p.Arg215His)

Gene: NLGN2 (neuroligin 2; plus strand). Cytogenetic location: 17p13.1.
Variant type: single nucleotide variant.
Coding change: c.644G>A on transcript NM_020795.4 (MANE Select); coding-DNA position 644, G replaced by A.
Protein change: p.Arg215His; replaces arginine 215 with histidine.
Molecular consequence: missense variant.
Genome position (GRCh38, 1-based): chr17:7,414,479, G>A. VCF-style: chr17-7414479-G-A. GRCh37 (hg19) VCF-style: chr17-7317798-G-A.
Other names: short protein forms R215H.
Identifiers: ClinVar variation 1706691 (VCV001706691.3), dbSNP rs1230599095, ClinGen allele CA397820036.